The following is an entry in ClinVar:

ClinVar aggregate classification (germline): Uncertain significance (1 of 4 stars; one submission).

Conditions:
POLD1-related polyposis and colorectal cancer syndrome (CRCS10). Also called: Colorectal cancer 10; COLORECTAL CANCER, SUSCEPTIBILITY TO, ON CHROMOSOME 19q; Colorectal cancer, susceptibility to, 10. Identifiers: Orphanet 220460, MedGen C2675481, MONDO:0012953, OMIM 612591.

Submission:

Labcorp Genetics (formerly Invitae), Labcorp
Classification: Uncertain significance for POLD1-related polyposis and colorectal cancer syndrome. Last evaluated: 2022-03-29. Review status: criteria provided, single submitter. Criteria: Invitae Variant Classification Sherloc (09022015). Collection method: clinical testing. Allele origin: germline.
Comment: In summary, the available evidence is currently insufficient to determine the role of this variant in disease. Therefore, it has been classified as a Variant of Uncertain Significance. Algorithms developed to predict the effect of missense changes on protein structure and function are either unavailable or do not agree on the potential impact of this missense change (SIFT: "Tolerated"; PolyPhen-2: "Probably Damaging"; Align-GVGD: "Class C0"). This variant has not been reported in the literature in individuals affected with POLD1-related conditions. This variant is not present in population databases (gnomAD no frequency). This sequence change replaces glutamic acid, which is acidic and polar, with alanine, which is neutral and non-polar, at codon 43 of the POLD1 protein (p.Glu43Ala).

NM_002691.4(POLD1):c.128A>C (p.Glu43Ala)

Gene: POLD1 (DNA polymerase delta 1, catalytic subunit; plus strand). Cytogenetic location: 19q13.33.
Variant type: single nucleotide variant.
Coding change: c.128A>C on transcript NM_002691.4 (MANE Select); coding-DNA position 128, A replaced by C.
Protein change: p.Glu43Ala; replaces glutamic acid 43 with alanine.
Molecular consequence: missense variant. On other transcripts: non-coding transcript variant (1).
Genome position (GRCh38, 1-based): chr19:50,398,979, A>C. VCF-style: chr19-50398979-A-C. GRCh37 (hg19) VCF-style: chr19-50902236-A-C.
Other names: c.128A>C, p.Glu43Ala (NM_001256849.1, NM_001308632.1); short protein forms E43A.
Identifiers: ClinVar variation 2119377 (VCV002119377.4), dbSNP rs2513933134, ClinGen allele CA406970200.
Genomic context (GRCh38, chr19:50,398,979, plus strand): 5'-GGGATGATGATGATGCACCTCGGCCATCCCAATTCGAGGAGGACCTGGCACTGATGGAGG[A>C]GATGGAGGCAGAACACAGGCTGCAGGAGCAGGAGGAGGAGGAGCTGCAGTCAGTCCTGGA-3'
Protein context (NP_002682.2, residues 33-53): QFEEDLALME[Glu43Ala]MEAEHRLQEQ